The following is an entry in ClinVar:

NM_019066.5(MAGEL2):c.2176A>G (p.Ile726Val)

Gene: MAGEL2 (MAGE family member L2; minus strand). Cytogenetic location: 15q11.2.
Variant type: single nucleotide variant.
Coding change: c.2176A>G on transcript NM_019066.5 (MANE Select); coding-DNA position 2176, A replaced by G.
Protein change: p.Ile726Val; replaces isoleucine 726 with valine.
Molecular consequence: missense variant.
Genome position (GRCh38, 1-based): chr15:23,645,567, T>C on the plus strand (A>G on the coding strand, the complement: MAGEL2 is on the minus strand). VCF-style: chr15-23645567-T-C. GRCh37 (hg19) VCF-style: chr15-23890714-T-C.
Other names: short protein forms I726V.
Identifiers: ClinVar variation 4981481 (VCV004981481.1).
Genomic context (GRCh38, chr15:23,645,567, plus strand): 5'-AAGGGGCCCTGCGCTCCTTCGAGGAGGTCCTGCGCTCTTTAGAGGAGCCCCTGCGGTCTA[T>C]AGAAGAGGCCCTGCATTCTCCTGATGGAGTCATCAATGATTTAGCGGAGCCCAGGGGAAA-3'
Protein context (NP_061939.3, residues 716-736): TPSGECRASS[Ile726Val]DRRGSSKERR

ClinVar aggregate classification (germline): Uncertain significance (1 of 4 stars; one submission).

Conditions:
MAGEL2-related disorder. Also called: MAGEL2-related condition.

gnomAD v4.1: 68 of 1,611,354 alleles (0.0042%); highest among the groups gnomAD compares: South Asian, 0.065%; no homozygotes.

Submission:

PreventionGenetics, part of Exact Sciences
Classification: Uncertain significance for MAGEL2-related condition. Last evaluated: 2026-04-22. Review status: criteria provided, single submitter. Criteria: ACMG Guidelines, 2015. Collection method: clinical testing. Allele origin: germline.
Comment: The MAGEL2 c.2176A>G variant is predicted to result in the amino acid substitution p.Ile726Val. To our knowledge, this variant has not been reported in the literature. This variant is reported in 0.036% of alleles in individuals of South Asian descent in gnomAD. At this time, the clinical significance of this variant is uncertain due to the absence of conclusive functional and genetic evidence.